The following is an entry in ClinVar:

ClinVar aggregate classification (germline): Uncertain significance (1 of 4 stars; one submission).

Conditions:
Intellectual disability, autosomal dominant 14 (CSS2). Also called: COFFIN-SIRIS SYNDROME 2. Identifiers: Orphanet 1465, MedGen C3553247, MONDO:0013819, OMIM 614607.

Submission:

Baylor Genetics
Classification: Uncertain significance for Intellectual disability, autosomal dominant 14. Last evaluated: 2020-06-09. Review status: criteria provided, single submitter. Criteria: ACMG Guidelines, 2015. Collection method: clinical testing. Allele origin: unknown. Affected: yes.
Comment: This variant was determined to be of uncertain significance according to ACMG Guidelines, 2015 [PMID:25741868].

NM_006015.6(ARID1A):c.3276G>T (p.Leu1092Phe)

Gene: ARID1A (AT-rich interaction domain 1A; plus strand). Cytogenetic location: 1p36.11.
Variant type: single nucleotide variant.
Coding change: c.3276G>T on transcript NM_006015.6 (MANE Select); coding-DNA position 3276, G replaced by T.
Protein change: p.Leu1092Phe; replaces leucine 1092 with phenylalanine.
Molecular consequence: missense variant.
Genome position (GRCh38, 1-based): chr1:26,771,196, G>T. VCF-style: chr1-26771196-G-T. GRCh37 (hg19) VCF-style: chr1-27097687-G-T.
Other names: c.3276G>T, p.Leu1092Phe (NM_139135.4); short protein forms L1092F.
Identifiers: ClinVar variation 1028994 (VCV001028994.1), dbSNP rs2081080248, ClinGen allele CA339164940.